The following continues an entry in ClinVar:

NM_007294.4(BRCA1):c.4096+3A>G

ClinVar aggregate classification (germline): Uncertain significance. Uncertain significance (1).

Submissions 16 to 25 of 25:

Cancer Variant Interpretation Group UK, Institute of Cancer Research, London
Classification: Likely benign for Hereditary Breast and Ovarian Cancer. Last evaluated: 2018-10-31. Review status: criteria provided, single submitter. Criteria: ACMG Guidelines, 2015. Collection method: clinical testing. Allele origin: germline. Affected: yes. Observed: 3 variant alleles. Not counted in ClinVar's aggregate classification.
Comment: Data included in classification. Segregation data supporting non-pathogencity, Byrjalsen et al, Clinical case Reports, 2017. % change MaxEnt Score: -100, % change NNS Score: -98.22845. Alternative splicing reported in Wappenschmidt, B. et al., 2012 PLoS One 7(12). However, variants at c.4096+1 (IVS11+1), c.4096+2 (IVS11+2) are of uncertain pathogenicity on account of rescue by production of naturally occurring in-frame transcripts delta 11q (Bonatti et al., 2006) and also delta 11 (Radice, unpublished data). See ENIGMA classification rules. Data not included in classification. The variant was observed in 1 independent UK families undergoing clinical diagnostic testing, the denominator of which dataset of clinical testing was 16,600. Case control comparison against ethnically matched population data (1/16,600 in familial cases against 0/63,369 GNOMAD NFE controls) pexact= 0.21 2 additional families of Icelandic origin have been tested in the UK. Further cases in Wappenschmidt, B. et al., 2012 PLoS One 7(12): e50800) and Janavicius, R. 2010, EPMA 1(3):397. 5 cases in BIC. 8 reports on ClinVar. The variant is absent in the remainder of the GNOMAD populations (75,263 individuals, but no Icelanders included). Comment. This is a +3 splicing variant which results in alternative splicing but seemingly the impact is mitigated through rescue by alternative functional transcripts. Repeatedly reported in HBOC case, this would appear to be an Icelandic variant; the Icelandic population frequency of this variant is however lacking.

Fulgent Genetics
Classification: Uncertain significance for Familial cancer of breast; Breast-ovarian cancer, familial, susceptibility to, 1; Pancreatic cancer, susceptibility to, 4; Fanconi anemia, complementation group S. Last evaluated: 2018-10-31. Review status: criteria provided, single submitter. Criteria: ACMG Guidelines, 2015. Collection method: clinical testing. Allele origin: unknown. Not counted in ClinVar's aggregate classification.

Department of Medical Genetics, Oslo University Hospital
Classification: Uncertain significance for Breast-ovarian cancer, familial, susceptibility to, 1. Last evaluated: 2017-08-02. Review status: criteria provided, single submitter. Criteria: ACMG Guidelines, 2015. Collection method: clinical testing. Allele origin: germline. Affected: yes. Observed: 1 variant allele. Not counted in ClinVar's aggregate classification.

deCODE genetics, Amgen
Classification: Pathogenic for Breast-ovarian cancer, familial, susceptibility to, 1. Last evaluated: 2023-07-21. Review status: no assertion criteria provided. Collection method: research. Allele origin: germline. Affected: yes. Observed: 313 variant alleles. Not counted in ClinVar's aggregate classification.
Comment: The variant NM_007294.4:c.4096+3A>G (chr17:43091432) in BRCA1 was detected in 118 heterozygotes out of 58K WGS Icelanders (MAF= 0,102%). Following imputation in a set of 166K Icelanders (313 imputed heterozygotes) we observed an association with ovarian cancer using 907 cases and 299709 controls (OR= 8.49, P= 2.97e-08) and breast cancer using 6908 cases and 292623 controls (OR= 3.13, P= 7.59e-06). Therefore, the PS4 criterion was applied. Based on RNA sequence data from 42 heterozygotes and 17,551 non-carriers, the variant associates with skipping of exon 10, consistent with its predicted functional effect (Effect (SD)= -1.45, P=2.1e-15). Therefore, the PS5 criterion was applied. This variant has been reported in ClinVar previously as a variant of uncertain significance. Based on ACMG criteria (PS4, PS5) this variant classifies as pathogenic.

BRCAlab, Lund University
Classification: Uncertain significance for Breast-ovarian cancer, familial, susceptibility to, 1. Last evaluated: 2020-03-02. Review status: no assertion criteria provided. Collection method: clinical testing. Allele origin: germline. Affected: yes. Not counted in ClinVar's aggregate classification.

Pathway Genomics
Classification: Likely pathogenic for Breast-ovarian cancer, familial 1. Last evaluated: 2014-07-24. Review status: no assertion criteria provided. Collection method: clinical testing. Allele origin: germline. Not counted in ClinVar's aggregate classification.

Foulkes Cancer Genetics LDI, Lady Davis Institute for Medical Research
Classification: Pathogenic for Breast and/or ovarian cancer. Last evaluated: 2013-04-13. Review status: no assertion criteria provided. Collection method: clinical testing. Allele origin: germline. Study: The Canadian Open Genetics Repository (COGR). Not counted in ClinVar's aggregate classification.

Sharing Clinical Reports Project (SCRP)
Classification: Likely pathogenic for Breast-ovarian cancer, familial 1. Last evaluated: 2012-04-20. Review status: no assertion criteria provided. Collection method: clinical testing. Allele origin: germline. Not counted in ClinVar's aggregate classification.

Breast Cancer Information Core (BIC) (BRCA1)
Classification: Uncertain significance for Breast-ovarian cancer, familial 1. Last evaluated: 2004-02-20. Review status: no assertion criteria provided. Collection method: clinical testing. Allele origin: germline. Affected: yes. Observed: 5 variant alleles. Not counted in ClinVar's aggregate classification.

Department of Pathology and Laboratory Medicine, Sinai Health System
Classification: Uncertain significance. Review status: no assertion criteria provided. Collection method: clinical testing. Allele origin: unknown. Affected: yes. Study: The Canadian Open Genetics Repository (COGR). Not counted in ClinVar's aggregate classification.
Comment: The BRCA1 c.4096+3A>G variant was identified in 3 of 8746 proband chromosomes (frequency: 0.0003) from individuals or families with breast cancer (Borg 2010, Wappenschmidt 2012, Song 2014). The variant was identified in dbSNP (rs80358015) as â€šÃ„Ãºwith likely pathogenic alleleâ€šÃ„Ã¹, ClinVar (classified as uncertain significance by Invitae, GeneDx, Ambry Genetics, Integrated Genetics and 4 other submitters, pathogenic by Lady Davis and 1 other submitter, likely pathogenic by Pathway Genomics and SCRP and likely benign by Institute of Cancer Research ), LOVD 3.0 (observed 4x) and UMD-LSDB (observed 1x). The variant was not identified in the following control databases: the Exome Aggregation Consortium (August 8th 2016), or the Genome Aggregation Database (March 6, 2019, v2.1.1). The variant was identified in our laboratory in a breast cancer family in 1 affected and 3 unaffected individuals. In addition, the variant was identified in a consanguineous family in an unaffected homozygous carrier, suggesting it may not have a clinical effect (Byrjalsen 2017). The variant causes a partial deletion of exon 10, but doesnâ€šÃ„Ã´t fully abolish transcript production (Wappenschmidt 2012, Kim 2006, Huber 2001, Thakur 1997). The c.4096+3A>G variant is located in the 5' splice region but does not affect the invariant +1 and +2 positions. However, positions +3 to +6 are part of the splicing consensus sequence and variants involving these positions sometimes affect splicing. In summary, based on the above information the clinical significance of this variant cannot be determined with certainty at this time. This variant is classified as a variant of uncertain significance.

Literature cited by the submitters: PubMed 20104584 (cited by 5 submitters); PubMed 23239986 (cited by 9 submitters); PubMed 31683985 (cited by 8 submitters); PubMed 31954625 (cited by Labcorp Genetics (formerly Invitae), Labcorp); PubMed 34981296 (cited by 3 submitters); PubMed 37937776 (cited by Labcorp Genetics (formerly Invitae), Labcorp and Department of Clinical Genetics, Copenhagen University Hospital, Rigshospitalet); PubMed 28588830 (cited by 8 submitters); PubMed 17576681 (cited by Labcorp Genetics (formerly Invitae), Labcorp); PubMed 9536098 (cited by Labcorp Genetics (formerly Invitae), Labcorp); PubMed 8972225 (cited by 3 submitters); PubMed 11359908 (cited by 3 submitters); PubMed 11431698 (cited by Labcorp Genetics (formerly Invitae), Labcorp and Quest Diagnostics Nichols Institute San Juan Capistrano); PubMed 16943438 (cited by 3 submitters); PubMed 10435628 (cited by Ambry Genetics); PubMed 24569164 (cited by Ambry Genetics and Quest Diagnostics Nichols Institute San Juan Capistrano); PubMed 24728189 (cited by 5 submitters); PubMed 26075997 (cited by Ambry Genetics and Women's Health and Genetics/Laboratory Corporation of America, LabCorp); PubMed 28195393 (cited by 3 submitters); PubMed 31409081 (cited by Ambry Genetics and Quest Diagnostics Nichols Institute San Juan Capistrano); PubMed 9010228 (cited by Ambry Genetics); PubMed 16267036 (cited by Women's Health and Genetics/Laboratory Corporation of America, LabCorp); PubMed 17591843 (cited by Women's Health and Genetics/Laboratory Corporation of America, LabCorp); PubMed 23199084 (cited by Women's Health and Genetics/Laboratory Corporation of America, LabCorp); PubMed 29750258 (cited by Women's Health and Genetics/Laboratory Corporation of America, LabCorp); PubMed 26733283 (cited by Women's Health and Genetics/Laboratory Corporation of America, LabCorp); PubMed 25683334 (cited by Quest Diagnostics Nichols Institute San Juan Capistrano); PubMed 31908633 (cited by Quest Diagnostics Nichols Institute San Juan Capistrano); PubMed 11039575 (cited by Quest Diagnostics Nichols Institute San Juan Capistrano); PubMed 8840964 (cited by Pathway Genomics).